The following is an entry in ClinVar:

NM_004614.5(TK2):c.253A>T (p.Lys85Ter)

Gene: TK2 (thymidine kinase 2; minus strand). Cytogenetic location: 16q21.
Variant type: single nucleotide variant.
Coding change: c.253A>T on transcript NM_004614.5 (MANE Select); coding-DNA position 253, A replaced by T.
Protein change: p.Lys85Ter; replaces lysine 85 with a stop codon.
Molecular consequence: nonsense. On other transcripts: 5 prime UTR variant (1), non-coding transcript variant (1), intron variant (1).
Genome position (GRCh38, 1-based): chr16:66,536,996, T>A on the plus strand (A>T on the coding strand, the complement: TK2 is on the minus strand). VCF-style: chr16-66536996-T-A. GRCh37 (hg19) VCF-style: chr16-66570899-T-A.
Other names: c.160A>T, p.Lys54Ter (NM_001172643.1, NM_001271935.1); c.178A>T, p.Lys60Ter (NM_001172644.2); c.106A>T, p.Lys36Ter (NM_001271934.2); c.-39A>T (NM_001272050.2); c.231+4883A>T (NM_001172645.2); short protein forms K36*, K54*, K60*, K85*.
Identifiers: ClinVar variation 4686627 (VCV004686627.1).
Genomic context (GRCh38, chr16:66,536,996, plus strand): 5'-GGGTTCATGCAACCAACAACCCACTCACCAGAGGATTGTGGCCACGGACATTTCTCCACT[T>A]GGACACAGGCTCCGTTAACACCTGGAAGGAAAGAAAACATCAGAGCTACTGTTTCTCTGT-3'

ClinVar aggregate classification (germline): Pathogenic (1 of 4 stars; one submission).

Conditions:
Mitochondrial disease. Also called: Mitochondrial disorder; Mitochondrial disorders. Identifiers: Orphanet 68380, MedGen C0751651, MeSH D028361, MONDO:0044970.

Submission:

Genomenon, Inc
Classification: Pathogenic for Mitochondrial disease. Last evaluated: 2025-11-24. Review status: criteria provided, single submitter. Criteria: Genomenon Sequence Variant Interpretation Standards - Updated. Collection method: curation. Allele origin: germline. Affected: yes.
Comment: TK2 p.Lys85Ter (c.253A>T) is a nonsense variant that introduces a premature stop codon at amino acid position 85, creating a truncated protein that is predicted to undergo nonsense-mediated mRNA decay. This variant has been observed in a proband affected with mitochondrial disease in the compound heterozygous state (32572108). This variant is not present at a significant frequency in gnomAD. In conclusion, we classify TK2 p.Lys85Ter (c.253A>T) as a pathogenic variant.

Literature cited by the submitters: PubMed 32572108.